The following is an entry in ClinVar:

ClinVar aggregate classification (germline): Uncertain significance (1 of 4 stars; one submission).

Allele frequency attached by ClinVar (database versions not stated): gnomAD exomes below 0.00001.
gnomAD v4.1: 1 of 1,614,216 alleles (0.000062%); no homozygotes.

Submission:

Labcorp Genetics (formerly Invitae), Labcorp
Classification: Uncertain significance. Last evaluated: 2020-02-18. Review status: criteria provided, single submitter. Criteria: Invitae Variant Classification Sherloc (09022015). Collection method: clinical testing. Allele origin: germline.
Comment: This sequence change replaces proline with alanine at codon 2094 of the FN1 protein (p.Pro2094Ala). The proline residue is highly conserved and there is a small physicochemical difference between proline and alanine. This variant is not present in population databases (ExAC no frequency). This variant has not been reported in the literature in individuals with FN1-related conditions. Algorithms developed to predict the effect of missense changes on protein structure and function are either unavailable or do not agree on the potential impact of this missense change (SIFT: "Not Available"; PolyPhen-2: "Possibly Damaging"; Align-GVGD: "Not Available"). In summary, the available evidence is currently insufficient to determine the role of this variant in disease. Therefore, it has been classified as a Variant of Uncertain Significance.

NM_212482.4(FN1):c.6280C>G (p.Pro2094Ala)

Gene: FN1 (fibronectin 1; minus strand). Cytogenetic location: 2q35.
Variant type: single nucleotide variant.
Coding change: c.6280C>G on transcript NM_212482.4 (MANE Select); coding-DNA position 6280, C replaced by G.
Protein change: p.Pro2094Ala; replaces proline 2094 with alanine.
Molecular consequence: missense variant. On other transcripts: intron variant (9).
Genome position (GRCh38, 1-based): chr2:215,372,343, G>C on the plus strand (C>G on the coding strand, the complement: FN1 is on the minus strand). VCF-style: chr2-215372343-G-C. GRCh37 (hg19) VCF-style: chr2-216237066-G-C.
Other names: c.6280C>G, p.Pro2094Ala (NM_001306129.2); c.5737C>G, p.Pro1913Ala (NM_001306131.2, NM_212476.3); c.6010C>G, p.Pro2004Ala (NM_001365517.2, NM_001365521.2); c.6007C>G, p.Pro2003Ala (NM_001365518.2, NM_002026.4); c.5705-328C>G (NM_212474.3); c.5705-43C>G (NM_001306132.2, NM_001365523.2); c.5975-328C>G (NM_001365524.2); c.5975-43C>G (NM_212478.3, NM_001365520.2); and 2 more; short protein forms P1913A, P2003A, P2004A, P2094A.
Identifiers: ClinVar variation 1019790 (VCV001019790.7), dbSNP rs2056381605, ClinGen allele CA350467810.